The following is an entry in ClinVar:

NM_001376.5(DYNC1H1):c.8077T>C (p.Tyr2693His)

Gene: DYNC1H1 (dynein cytoplasmic 1 heavy chain 1; plus strand). Cytogenetic location: 14q32.31.
Variant type: single nucleotide variant.
Coding change: c.8077T>C on transcript NM_001376.5 (MANE Select); coding-DNA position 8077, T replaced by C.
Protein change: p.Tyr2693His; replaces tyrosine 2693 with histidine.
Molecular consequence: missense variant.
Genome position (GRCh38, 1-based): chr14:102,017,404, T>C. VCF-style: chr14-102017404-T-C. GRCh37 (hg19) VCF-style: chr14-102483741-T-C.
Other names: c.8077T>C (NM_001376.4); short protein forms Y2693H.
Identifiers: ClinVar variation 1557229 (VCV001557229.9), dbSNP rs2152583009, ClinGen allele CA391004261.

ClinVar aggregate classification (germline): Likely benign (1 of 4 stars; one submission).

Conditions:
Charcot-Marie-Tooth disease axonal type 2O. Also called: CHARCOT-MARIE-TOOTH NEUROPATHY, AXONAL, TYPE 2O; CHARCOT-MARIE-TOOTH DISEASE, AXONAL, AUTOSOMAL DOMINANT, TYPE 2O; Charcot-Marie-Tooth Neuropathy Type 2O; Charcot-Marie-Tooth disease, axonal, type 20. Identifiers: Orphanet 284232, MedGen C3280220, MONDO:0013644, OMIM 614228.

Submission:

Labcorp Genetics (formerly Invitae), Labcorp
Classification: Likely benign for Charcot-Marie-Tooth disease axonal type 2O. Last evaluated: 2024-05-10. Review status: criteria provided, single submitter. Criteria: Invitae Variant Classification Sherloc (09022015). Collection method: clinical testing. Allele origin: germline.